The following is an entry in ClinVar:

ClinVar aggregate classification (germline): Uncertain significance (1 of 4 stars; one submission).

Conditions:
Macrothrombocytopenia and granulocyte inclusions with or without nephritis or sensorineural hearing loss (MATINS). Also called: BLEEDING DISORDER, PLATELET-TYPE, 6; MAY-HEGGLIN ANOMALY; DOHLE LEUKOCYTE INCLUSIONS WITH GIANT PLATELETS; SEBASTIAN PLATELET SYNDROME; MACROTHROMBOCYTOPENIA WITH DISPERSED LEUKOCYTIC INCLUSIONS; MACROTHROMBOCYTOPENIA, NEPHRITIS, AND DEAFNESS. Identifiers: Orphanet 182050, MedGen C5200934, MONDO:0015912, OMIM 155100.

Allele frequency attached by ClinVar (database versions not stated): TOPMed below 0.00001; ExAC 0.00002.

Submission:

MVZ Medizinische Genetik Mainz
Classification: Uncertain significance for Macrothrombocytopenia and granulocyte inclusions with or without nephritis or sensorineural hearing loss. Last evaluated: 2023-06-23. Review status: criteria provided, single submitter. Criteria: UK Practice Guidelines For Variant Classification V4 01 2020. Collection method: clinical testing. Allele origin: germline. Inheritance: Autosomal dominant inheritance. Affected: yes. Observed: 1 variant allele.
Comment: ACMG Criteria: PP3_MOD,PM2_SUP,PP2

NM_002473.6(MYH9):c.718C>T (p.Arg240Cys)

Gene: MYH9 (myosin heavy chain 9; minus strand). Cytogenetic location: 22q12.3.
Variant type: single nucleotide variant.
Coding change: c.718C>T on transcript NM_002473.6 (MANE Select); coding-DNA position 718, C replaced by T.
Protein change: p.Arg240Cys; replaces arginine 240 with cysteine.
Molecular consequence: missense variant.
Genome position (GRCh38, 1-based): chr22:36,321,809, G>A on the plus strand (C>T on the coding strand, the complement: MYH9 is on the minus strand). VCF-style: chr22-36321809-G-A. GRCh37 (hg19) VCF-style: chr22-36717854-G-A.
Other names: short protein forms R240C.
Identifiers: ClinVar variation 3068365 (VCV003068365.1), dbSNP rs766168499, ClinGen allele CA10210485.